The following is an entry in ClinVar:

NM_006904.7(PRKDC):c.9113A>G (p.Glu3038Gly)

Gene: PRKDC (protein kinase, DNA-activated, catalytic subunit; minus strand). Cytogenetic location: 8q11.21.
Variant type: single nucleotide variant.
Coding change: c.9113A>G on transcript NM_006904.7 (MANE Select); coding-DNA position 9113, A replaced by G.
Protein change: p.Glu3038Gly; replaces glutamic acid 3038 with glycine.
Molecular consequence: missense variant.
Genome position (GRCh38, 1-based): chr8:47,820,942, T>C on the plus strand (A>G on the coding strand, the complement: PRKDC is on the minus strand). VCF-style: chr8-47820942-T-C. GRCh37 (hg19) VCF-style: chr8-48733503-T-C.
Other names: c.9113A>G, p.Glu3038Gly (NM_001081640.2); short protein forms E3038G.
Identifiers: ClinVar variation 1765851 (VCV001765851.2), dbSNP rs2551865402, ClinGen allele CA371140024.
Genomic context (GRCh38, chr8:47,820,942, plus strand): 5'-TCAGCCTCTCCCTGGAGCAGCAGCTTCAGCTTGCTGCGGATCATGTAAGGTAGATATGTT[T>C]CCTAAGGAACATAAAAATATACTTGTAACTACAGAAGGCCAATTTGAGTATGTCTAATTA-3'
Protein context (NP_008835.5, residues 3028-3048): NKIWSEPFYQ[Glu3038Gly]TYLPYMIRSK

ClinVar aggregate classification (germline): Uncertain significance (1 of 4 stars; one submission).

Submission:

Ambry Genetics
Classification: Uncertain significance. Last evaluated: 2021-07-27. Review status: criteria provided, single submitter. Criteria: Ambry Variant Classification Scheme 2023. Collection method: clinical testing. Allele origin: germline.
Comment: The p.E3038G variant (also known as c.9113A>G), located in coding exon 66 of the PRKDC gene, results from an A to G substitution at nucleotide position 9113. The glutamic acid at codon 3038 is replaced by glycine, an amino acid with similar properties. This amino acid position is conserved. Since supporting evidence is limited at this time, the clinical significance of this alteration remains unclear.